The following is an entry in ClinVar:

ClinVar aggregate classification (germline): Uncertain significance (0 of 4 stars; one submission).

Conditions:
GNAS-related disorder. Identifiers: MedGen CN380105.

Submission:

PreventionGenetics, part of Exact Sciences
Classification: Uncertain significance for GNAS-related condition. Last evaluated: 2023-11-17. Review status: no assertion criteria provided. Collection method: clinical testing. Allele origin: germline.
Comment: The GNAS c.1628_1639del12 variant is predicted to result in an in-frame deletion (p.Pro543_Thr546del). On a more commonly reported GNAS transcript, this variant is located upstream of the coding region (NM_000516.5:c.-36834_-36823del). To our knowledge, this variant has not been reported in the literature or in a large population database, indicating this variant is rare. At this time, the clinical significance of this variant is uncertain due to the absence of conclusive functional and genetic evidence.

NM_080425.4(GNAS):c.1628_1639del (p.Pro543_Thr546del)

Gene: GNAS (GNAS complex locus; plus strand). Cytogenetic location: 20q13.32.
Variant type: Deletion.
Coding change: c.1628_1639del on transcript NM_080425.4 (MANE Plus Clinical); coding-DNA positions 1628 to 1639, 12 bases deleted (CGCGGCCTACTC).
Protein change: p.Pro543_Thr546del.
Molecular consequence: inframe deletion. On other transcripts: intron variant (3).
Genome position (GRCh38, 1-based): chr20:58,854,893-58,854,904, CGCGGCCTACTC deleted; deleting any 12 consecutive bases within chr20:58,854,885-58,854,904 gives the same sequence; the c. name uses the placement nearest the transcript's 3' end. VCF-style (leftmost placement, unchanged base first): chr20-58854884-CGCCTACTCCGCG-C. GRCh37 (hg19) VCF-style: chr20-57429939-CGCCTACTCCGCG-C.
Other names: c.1441_1452del, p.Arg481_Leu484del (NM_001077490.3, NM_001309883.1); c.1628_1639del, p.Pro543_Thr546del (NM_001410913.1); c.*42+14007_*42+14018del (NM_016592.5); c.43+14007_43+14018del (NM_001410912.1); c.-39+13018_-39+13029del (NM_001309861.2).
Identifiers: ClinVar variation 3347995 (VCV003347995.1).
Genomic context (GRCh38, chr20:58,854,884, plus strand): 5'-CCGGGGCCAGACGCAAGATCCATCTCAGACCCCCCAGCCCCGAGATCCAGGCTGCCGATC[CGCCTACTCCGCG>C]GCCTACTCGCGCGTCTGCCTGGCGGGGCAAGTCCGAGAGCAGCCGCGGCCGCCGCGTGTA-3'